The following is an entry in ClinVar:

ClinVar aggregate classification (germline): Uncertain significance. Review status: criteria provided, multiple submitters, no conflicts (2 of 4 stars). 2 submissions from 2 submitters: Uncertain significance (2). Last evaluated 2022-08-09.

Conditions:
Hereditary spastic paraplegia 11. Also called: SPASTIC PARAPLEGIA, AUTOSOMAL RECESSIVE, COMPLICATED, WITH THIN CORPUS CALLOSUM; SPASTIC PARAPLEGIA, AUTOSOMAL RECESSIVE, WITH MENTAL IMPAIRMENT AND THIN CORPUS CALLOSUM; Spastic paraplegia, mental retardation and thin corpus callosum; Spastic Paraplegia 11; Nakamura Osame syndrome; Autosomal recessive hereditary spastic paraplegia, mental impairment, and thin corpus callosum. Identifiers: Orphanet 2822, MedGen C1858479, MONDO:0011445, OMIM 604360.
Inborn genetic diseases. Identifiers: MedGen C0950123, MeSH D030342.

Allele frequency attached by ClinVar (database versions not stated): gnomAD exomes 0.00002 and 0.00006; gnomAD 0.00011 and 0.00012; TOPMed 0.00011.
gnomAD v4.1: 30 of 1,614,058 alleles (0.0019%); highest among the groups gnomAD compares: Admixed American, 0.05%; no homozygotes.

Submissions (2):

Labcorp Genetics (formerly Invitae), Labcorp
Classification: Uncertain significance for Hereditary spastic paraplegia 11. Last evaluated: 2022-08-09. Review status: criteria provided, single submitter. Criteria: Invitae Variant Classification Sherloc (09022015). Collection method: clinical testing. Allele origin: germline.
Comment: This sequence change replaces lysine, which is basic and polar, with glutamic acid, which is acidic and polar, at codon 2103 of the SPG11 protein (p.Lys2103Glu). This variant is present in population databases (no rsID available, gnomAD 0.04%). This variant has not been reported in the literature in individuals affected with SPG11-related conditions. ClinVar contains an entry for this variant (Variation ID: 1449406). Algorithms developed to predict the effect of missense changes on protein structure and function are either unavailable or do not agree on the potential impact of this missense change (SIFT: "Tolerated"; PolyPhen-2: "Probably Damaging"; Align-GVGD: "Class C0"). In summary, the available evidence is currently insufficient to determine the role of this variant in disease. Therefore, it has been classified as a Variant of Uncertain Significance.

Ambry Genetics
Classification: Uncertain significance for Inborn genetic diseases. Last evaluated: 2022-06-21. Review status: criteria provided, single submitter. Criteria: Ambry Variant Classification Scheme 2023. Collection method: clinical testing. Allele origin: germline.
Comment: The p.K2103E variant (also known as c.6307A>G), located in coding exon 33 of the SPG11 gene, results from an A to G substitution at nucleotide position 6307. The lysine at codon 2103 is replaced by glutamic acid, an amino acid with similar properties. This amino acid position is conserved. In addition, the in silico prediction for this alteration is inconclusive. Since supporting evidence is limited at this time, the clinical significance of this alteration remains unclear.

NM_025137.4(SPG11):c.6307A>G (p.Lys2103Glu)

Gene: SPG11 (SPG11 vesicle trafficking associated, spatacsin; minus strand). Cytogenetic location: 15q21.1.
Variant type: single nucleotide variant.
Coding change: c.6307A>G on transcript NM_025137.4 (MANE Select); coding-DNA position 6307, A replaced by G.
Protein change: p.Lys2103Glu; replaces lysine 2103 with glutamic acid.
Molecular consequence: missense variant.
Genome position (GRCh38, 1-based): chr15:44,572,719, T>C on the plus strand (A>G on the coding strand, the complement: SPG11 is on the minus strand). VCF-style: chr15-44572719-T-C. GRCh37 (hg19) VCF-style: chr15-44864917-T-C.
Other names: c.5968A>G, p.Lys1990Glu (NM_001160227.2); short protein forms K1990E, K2103E.
Identifiers: ClinVar variation 1449406 (VCV001449406.5), dbSNP rs1199605323, ClinGen allele CA392217170.